The following is an entry in ClinVar:

NM_004211.5(SLC6A5):c.919C>T (p.Pro307Ser)

Gene: SLC6A5 (solute carrier family 6 member 5; plus strand). Cytogenetic location: 11p15.1.
Variant type: single nucleotide variant.
Coding change: c.919C>T on transcript NM_004211.5 (MANE Select); coding-DNA position 919, C replaced by T.
Protein change: p.Pro307Ser; replaces proline 307 with serine.
Molecular consequence: missense variant.
Genome position (GRCh38, 1-based): chr11:20,607,586, C>T. VCF-style: chr11-20607586-C-T. GRCh37 (hg19) VCF-style: chr11-20629132-C-T.
Other names: c.217C>T, p.Pro73Ser (NM_001318369.2); short protein forms P73S, P307S.
Identifiers: ClinVar variation 2133235 (VCV002133235.4), dbSNP rs1024617246, ClinGen allele CA218724144.
Genomic context (GRCh38, chr11:20,607,586, plus strand): 5'-TACAATGTGATTATTTGCTATACACTTTTCTACCTGTTTGCCTCCTTTGTGTCTGTACTA[C>T]CCTGGGGCTCCTGCAACAACCCTTGGAATACGCCAGAATGCAAAGATAAAACCAAACTTT-3'
Protein context (NP_004202.4, residues 297-317): YLFASFVSVL[Pro307Ser]WGSCNNPWNT

ClinVar aggregate classification (germline): Uncertain significance (1 of 4 stars; one submission).

Conditions:
Hyperekplexia 3 (HKPX3). Also called: HYPEREKPLEXIA 3, AUTOSOMAL RECESSIVE; HYPEREKPLEXIA 3, AUTOSOMAL DOMINANT. Identifiers: Orphanet 3197, MedGen C3553288, MONDO:0013827, OMIM 614618.

Allele frequency attached by ClinVar (database versions not stated): gnomAD 0.00001; TOPMed 0.00001.

Submission:

Labcorp Genetics (formerly Invitae), Labcorp
Classification: Uncertain significance for Hyperekplexia 3. Last evaluated: 2022-05-03. Review status: criteria provided, single submitter. Criteria: Invitae Variant Classification Sherloc (09022015). Collection method: clinical testing. Allele origin: germline.
Comment: In summary, the available evidence is currently insufficient to determine the role of this variant in disease. Therefore, it has been classified as a Variant of Uncertain Significance. Advanced modeling of protein sequence and biophysical properties (such as structural, functional, and spatial information, amino acid conservation, physicochemical variation, residue mobility, and thermodynamic stability) performed at Invitae indicates that this missense variant is expected to disrupt SLC6A5 protein function. This variant has not been reported in the literature in individuals affected with SLC6A5-related conditions. This variant is present in population databases (no rsID available, gnomAD 0.0009%). This sequence change replaces proline, which is neutral and non-polar, with serine, which is neutral and polar, at codon 307 of the SLC6A5 protein (p.Pro307Ser).